The following is an entry in ClinVar:

ClinVar aggregate classification (germline): Pathogenic. Review status: criteria provided, multiple submitters, no conflicts (2 of 4 stars). 8 submissions from 8 submitters: Pathogenic (7). 1 of the submissions does not count toward it. Last evaluated 2026-09-09.

Conditions:
Inborn genetic diseases. Identifiers: MedGen C0950123, MeSH D030342.
LAMA2-related muscular dystrophy (LAMA2-RD). Also called: Laminin alpha 2-related dystrophy. Identifiers: MedGen C5679788, MONDO:0100228.
Merosin deficient congenital muscular dystrophy (MDC1A). Also called: Congenital merosin-deficient muscular dystrophy 1A; Congenital Muscular Dystrophy Type 1A (MDC1A). Identifiers: Orphanet 258, MedGen C1263858, MONDO:0011925, OMIM 607855.

Allele frequency attached by ClinVar (database versions not stated): gnomAD exomes 0.00001 and 0.00003; TOPMed 0.00001.

Submissions (8):

GeneDx
Classification: Pathogenic. Last evaluated: 2026-09-09. Review status: criteria provided, single submitter. Criteria: GeneDx Variant Classification Process June 2021. Collection method: clinical testing. Allele origin: germline.
Comment: Frameshift variant predicted to result in protein truncation or nonsense mediated decay in a gene for which loss of function is a known mechanism of disease; This variant is associated with the following publications: (PMID: 30055037)

Labcorp Genetics (formerly Invitae), Labcorp
Classification: Pathogenic for LAMA2-related muscular dystrophy. Last evaluated: 2025-11-10. Review status: criteria provided, single submitter. Criteria: Invitae Variant Classification Sherloc (09022015). Collection method: clinical testing. Allele origin: germline.
Comment: This sequence change creates a premature translational stop signal (p.Cys314Trpfs*3) in the LAMA2 gene. It is expected to result in an absent or disrupted protein product. Loss-of-function variants in LAMA2 are known to be pathogenic (PMID: 18700894, 32904964). This variant is present in population databases (no rsID available, gnomAD 0.02%). This premature translational stop signal has been observed in individuals with congenital muscular dystrophy (PMID: 30055037). ClinVar contains an entry for this variant (Variation ID: 477529). For these reasons, this variant has been classified as Pathogenic.

Victorian Clinical Genetics Services, Murdoch Childrens Research Institute
Classification: Pathogenic for LAMA2-related muscular dystrophy. Last evaluated: 2024-10-10. Review status: criteria provided, single submitter. Criteria: ACMG Guidelines, 2015. Collection method: clinical testing. Allele origin: germline. Inheritance: Autosomal recessive inheritance. Affected: yes.
Comment: Based on the classification scheme VCGS_Germline_v1.3.5, this variant is classified as Pathogenic. Following criteria are met: 0102 - Loss of function is a known mechanism of disease in this gene and is associated with LAMA2-related muscular dystrophy (MONDO:0100228). (I) 0106 - This gene is associated with autosomal recessive disease. (I) 0201 - Variant is predicted to cause nonsense-mediated decay (NMD) and loss of protein (premature termination codon is located at least 54 nucleotides upstream of the final exon-exon junction). (SP) 0251 - This variant is heterozygous. (I) 0304 - Variant is present in gnomAD (v4) <0.01 for a recessive condition (8 heterozygotes, 0 homozygotes). (SP) 0701 - Other NMD-predicted variants comparable to the one identified in this case have very strong previous evidence for pathogenicity (DECIPHER). (SP) 0801 - This variant has strong previous evidence of pathogenicity in unrelated individuals. This variant has been reported five times as pathogenic, and once as likely pathogenic in ClinVar by clinical laboratories. This variant has been observed in multiple individuals with congenital muscular dystrophy, type 1A (MDC1A) (PMID: 30055037). (SP) 1208 - Inheritance information for this variant is not currently available in this individual. (I) Legend: (SP) - Supporting pathogenic, (I) - Information, (SB) - Supporting benign

Baylor Genetics
Classification: Pathogenic for Merosin deficient congenital muscular dystrophy. Last evaluated: 2024-03-29. Review status: criteria provided, single submitter. Criteria: ACMG Guidelines, 2015. Collection method: clinical testing. Allele origin: unknown.

Women's Health and Genetics/Laboratory Corporation of America, LabCorp
Classification: Pathogenic for LAMA2-related muscular dystrophy. Last evaluated: 2024-01-15. Review status: criteria provided, single submitter. Criteria: LabCorp Variant Classification Summary - May 2015. Collection method: clinical testing. Allele origin: germline.
Comment: Variant summary: LAMA2 c.939_940delAT (p.Cys314TrpfsX3) results in a premature termination codon, predicted to cause a truncation of the encoded protein or absence of the protein due to nonsense mediated decay, which are commonly known mechanisms for disease. The variant allele was found at a frequency of 2.8e-05 in 251318 control chromosomes (gnomAD). The available data on variant occurrences in the general population are insufficient to allow any conclusion about variant significance. c.939_940delAT has been reported in the literature in multiple homozygous and compound heterozygous individuals affected with Laminin Alpha 2-Related Dystrophy (e.g., Oliveira_2018). These data indicate that the variant is very likely to be associated with disease. The following publication have been ascertained in the context of this evaluation (PMID: 30055037). ClinVar contains an entry for this variant (Variation ID: 477529). Based on the evidence outlined above, the variant was classified as pathogenic.

Revvity Omics, Revvity
Classification: Pathogenic. Last evaluated: 2021-02-24. Review status: criteria provided, single submitter. Criteria: ACMG Guidelines, 2015. Collection method: clinical testing. Allele origin: germline.

Ambry Genetics
Classification: Pathogenic for Inborn genetic diseases. Last evaluated: 2017-09-22. Review status: criteria provided, single submitter. Criteria: Ambry exome assertion method (8-5-2015). Collection method: clinical testing. Allele origin: germline. Affected: yes. Observed: 1 variant allele.

Counsyl
Classification: Likely pathogenic for Merosin deficient congenital muscular dystrophy. Last evaluated: 2017-03-22. Review status: no assertion criteria provided. Collection method: clinical testing. Allele origin: unknown. Not counted in ClinVar's aggregate classification.

Literature cited by the submitters: PubMed 18700894 (cited by Labcorp Genetics (formerly Invitae), Labcorp); PubMed 32904964 (cited by Labcorp Genetics (formerly Invitae), Labcorp); PubMed 30055037 (cited by 3 submitters).

NM_000426.4(LAMA2):c.939_940del (p.Cys314fs)

Gene: LAMA2 (laminin subunit alpha 2; plus strand). Cytogenetic location: 6q22.33.
Variant type: Deletion.
Coding change: c.939_940del on transcript NM_000426.4 (MANE Select); coding-DNA positions 939 to 940, 2 bases deleted (AT; older notation c.939_940delAT).
Protein change: p.Cys314fs; shifts the reading frame from cysteine 314.
Molecular consequence: frameshift variant.
Genome position (GRCh38, 1-based): chr6:129,149,008-129,149,009, AT deleted. VCF-style (leftmost placement, unchanged base first): chr6-129149007-CAT-C. GRCh37 (hg19) VCF-style: chr6-129470152-CAT-C.
Other names: c.939_940delAT (NM_000426.4, NM_000426.3); c.939_940del, p.Cys314fs (NM_001079823.2); short protein forms C314fs.
Identifiers: ClinVar variation 477529 (VCV000477529.23), dbSNP rs1209130981, ClinGen allele CA451925608.